The following is an entry in ClinVar:

NM_000275.3(OCA2):c.724_725dup (p.Ser242fs)

Gene: OCA2 (OCA2 melanosomal transmembrane protein; minus strand). Cytogenetic location: 15q13.1.
Variant type: Duplication.
Coding change: c.724_725dup on transcript NM_000275.3 (MANE Select); coding-DNA positions 724 to 725, 2 bases duplicated (AG; older notation c.724_725dupAG).
Protein change: p.Ser242fs; shifts the reading frame from serine 242.
Molecular consequence: frameshift variant.
Genome position (GRCh38, 1-based): chr15:28,018,479-28,018,480, CT duplicated on the plus strand (AG on the coding strand, the reverse complement: OCA2 is on the minus strand); duplicating any 2 consecutive bases within chr15:28,018,479-28,018,481 gives the same sequence; the c. name uses the placement nearest the transcript's 3' end. VCF-style (leftmost placement, unchanged base first): chr15-28018478-A-ACT. GRCh37 (hg19) VCF-style: chr15-28263624-A-ACT.
Other names: c.724_725dup, p.Ser242fs (NM_001300984.2); short protein forms S242fs.
Identifiers: ClinVar variation 4077116 (VCV004077116.1).

ClinVar aggregate classification (germline): Likely pathogenic (1 of 4 stars; one submission).

Conditions:
SKIN/HAIR/EYE PIGMENTATION 1, BLUE/NONBLUE EYES (SHEP1). Also called: BROWN EYE COLOR 2; EYE COLOR 3; EYE COLOR, BLUE/NONBLUE; EYE COLOR, BROWN/BLUE; HAIR COLOR 3; SKIN/HAIR/EYE PIGMENTATION 1, BLOND/BROWN HAIR. Identifiers: MedGen C1856895, OMIM 227220.
Tyrosinase-positive oculocutaneous albinism (OCA2). Also called: ALBINISM II; Oculocutaneous albinism type 2; Albinism, oculocutaneous, type II. Identifiers: Orphanet 79432, MedGen C0268495, MONDO:0008746, OMIM 203200.

Submission:

Laboratory of Genetic Epidemiology, Research Centre for Medical Genetics
Classification: Likely pathogenic for SKIN/HAIR/EYE PIGMENTATION 1, BLUE/NONBLUE EYES; Tyrosinase-positive oculocutaneous albinism. Last evaluated: 2025-01-01. Review status: criteria provided, single submitter. Criteria: ACMG Guidelines, 2015. Collection method: clinical testing. Allele origin: paternal. Inheritance: Autosomal recessive inheritance. Affected: yes. Observed: 1 compound heterozygote.
Comment: This variant has not been previously reported in the literature and is not listed in gnomAD v3.1.2. Taken together, the variant meets the following ACMG/AMP criteria and can be classified as likely pathogenic with PM2, PVS1, PM3, PP4 criteria.

Literature cited by the submitters: PubMed 41428507.